The following is an entry in ClinVar:

NM_001376.5(DYNC1H1):c.7000A>T (p.Ser2334Cys)

Gene: DYNC1H1 (dynein cytoplasmic 1 heavy chain 1; plus strand). Cytogenetic location: 14q32.31.
Variant type: single nucleotide variant.
Coding change: c.7000A>T on transcript NM_001376.5 (MANE Select); coding-DNA position 7000, A replaced by T.
Protein change: p.Ser2334Cys; replaces serine 2334 with cysteine.
Molecular consequence: missense variant.
Genome position (GRCh38, 1-based): chr14:102,012,456, A>T. VCF-style: chr14-102012456-A-T. GRCh37 (hg19) VCF-style: chr14-102478793-A-T.
Other names: short protein forms S2334C.
Identifiers: ClinVar variation 2578133 (VCV002578133.4), dbSNP rs2503757977, ClinGen allele CA391059271.
Genomic context (GRCh38, chr14:102,012,456, plus strand): 5'-AACTTGAACTCAGTGCTGGATGACAATAAGCTCCTAACTTTGCCCAATGGAGAGCGCCTC[A>T]GTCTTCCACCCAATGTAAGTAGCCTTTTGTATGTCGTCAACTGAATAATTCCTTTTGGCC-3'
Protein context (NP_001367.2, residues 2324-2344): LLTLPNGERL[Ser2334Cys]LPPNVRIMFE

ClinVar aggregate classification (germline): Uncertain significance. Review status: criteria provided, multiple submitters, no conflicts (2 of 4 stars). 2 submissions from 2 submitters: Uncertain significance (2). Last evaluated 2023-02-28.

Conditions:
Charcot-Marie-Tooth disease axonal type 2O. Also called: CHARCOT-MARIE-TOOTH NEUROPATHY, AXONAL, TYPE 2O; CHARCOT-MARIE-TOOTH DISEASE, AXONAL, AUTOSOMAL DOMINANT, TYPE 2O; Charcot-Marie-Tooth disease, axonal, type 20; Charcot-Marie-Tooth Neuropathy Type 2O. Identifiers: Orphanet 284232, MedGen C3280220, MONDO:0013644, OMIM 614228.

Submissions (2):

GeneDx
Classification: Uncertain significance. Last evaluated: 2023-02-28. Review status: criteria provided, single submitter. Criteria: GeneDx Variant Classification Process June 2021. Collection method: clinical testing. Allele origin: germline. Affected: yes.
Comment: Not observed at significant frequency in large population cohorts (gnomAD); In silico analysis supports that this missense variant has a deleterious effect on protein structure/function; Has not been previously published as pathogenic or benign to our knowledge

Labcorp Genetics (formerly Invitae), Labcorp
Classification: Uncertain significance for Charcot-Marie-Tooth disease axonal type 2O. Last evaluated: 2023-02-08. Review status: criteria provided, single submitter. Criteria: Invitae Variant Classification Sherloc (09022015). Collection method: clinical testing. Allele origin: germline.
Comment: In summary, the available evidence is currently insufficient to determine the role of this variant in disease. Therefore, it has been classified as a Variant of Uncertain Significance. This sequence change replaces serine, which is neutral and polar, with cysteine, which is neutral and slightly polar, at codon 2334 of the DYNC1H1 protein (p.Ser2334Cys). This variant is not present in population databases (gnomAD no frequency). This variant has not been reported in the literature in individuals affected with DYNC1H1-related conditions. Advanced modeling of protein sequence and biophysical properties (such as structural, functional, and spatial information, amino acid conservation, physicochemical variation, residue mobility, and thermodynamic stability) has been performed at Invitae for this missense variant, however the output from this modeling did not meet the statistical confidence thresholds required to predict the impact of this variant on DYNC1H1 protein function.